The following is an entry in ClinVar:

NM_174934.4(SCN4B):c.464-259C>T

Gene: SCN4B (sodium voltage-gated channel beta subunit 4; minus strand). Cytogenetic location: 11q23.3.
Variant type: single nucleotide variant.
Coding change: c.464-259C>T on transcript NM_174934.4 (MANE Select); 259 bases into the intron before coding-DNA position 464, C replaced by T.
Molecular consequence: intron variant.
Genome position (GRCh38, 1-based): chr11:118,141,595, G>A on the plus strand (C>T on the coding strand, the complement: SCN4B is on the minus strand). VCF-style: chr11-118141595-G-A. GRCh37 (hg19) VCF-style: chr11-118012310-G-A.
Other names: c.62-259C>T (NM_001142348.2); c.134-259C>T (NM_001142349.2).
Identifiers: ClinVar variation 683814 (VCV000683814.2), dbSNP rs11216781, ClinGen allele CA13544069.

ClinVar aggregate classification (germline): Benign. Review status: criteria provided, multiple submitters, no conflicts (2 of 4 stars). 2 submissions from 2 submitters: Benign (2). Last evaluated 2018-06-18.

Allele frequency attached by ClinVar (database versions not stated): gnomAD exomes 0.33719; gnomAD 0.37731 and 0.38247; TOPMed 0.40077; 1000 Genomes Project 0.49720; 1000 Genomes Project 30x 0.49735.
gnomAD v4.1: 194,010 of 555,298 alleles (35%); highest among the groups gnomAD compares: East Asian, 61%; 38,640 homozygotes.

Submissions (2):

GeneDx
Classification: Benign. Last evaluated: 2018-06-18. Review status: criteria provided, single submitter. Criteria: GeneDx Variant Classification (06012015). Collection method: clinical testing. Allele origin: germline. Affected: yes.
Comment: This variant is considered likely benign or benign based on one or more of the following criteria: it is a conservative change, it occurs at a poorly conserved position in the protein, it is predicted to be benign by multiple in silico algorithms, and/or has population frequency not consistent with disease.

Breakthrough Genomics
Classification: Benign. Review status: criteria provided, single submitter. Criteria: ACMG Guidelines, 2015. Collection method: not provided. Allele origin: germline. Inheritance: Autosomal dominant inheritance. Affected: yes.